The following is an entry in ClinVar:

ClinVar aggregate classification (germline): Pathogenic (1 of 4 stars; one submission).

Conditions:
Developmental and epileptic encephalopathy, 9 (DEE9). Also called: EPILEPSY, FEMALE-RESTRICTED, WITH MENTAL RETARDATION; PCDH19-Related X-Linked Female-Limited Epilepsy with Mental Retardation; Early infantile epileptic encephalopathy 9; JUBERG-HELLMAN SYNDROME. Identifiers: Orphanet 101039, Orphanet 2076, MedGen C1848137, MONDO:0010246, OMIM 300088. Disease mechanism: loss of function.

Submission:

Labcorp Genetics (formerly Invitae), Labcorp
Classification: Pathogenic for Developmental and epileptic encephalopathy, 9. Last evaluated: 2021-07-18. Review status: criteria provided, single submitter. Criteria: Invitae Variant Classification Sherloc (09022015). Collection method: clinical testing. Allele origin: germline.
Comment: This sequence change creates a premature translational stop signal (p.Ser295Valfs*10) in the PCDH19 gene. It is expected to result in an absent or disrupted protein product. Loss-of-function variants in PCDH19 are known to be pathogenic (PMID: 21053371). This variant is not present in population databases (ExAC no frequency). This variant has not been reported in the literature in individuals affected with PCDH19-related conditions. For these reasons, this variant has been classified as Pathogenic.

Literature cited by the submitters: PubMed 21053371.

NM_001184880.2(PCDH19):c.883del (p.Ser295fs)

Gene: PCDH19 (protocadherin 19; minus strand). Cytogenetic location: Xq22.1.
Variant type: Deletion.
Coding change: c.883del on transcript NM_001184880.2 (MANE Select); coding-DNA position 883, one base deleted (A; older notation c.883delA).
Protein change: p.Ser295fs; shifts the reading frame from serine 295.
Molecular consequence: frameshift variant.
Genome position (GRCh38, 1-based): chrX:100,407,715, T deleted on the plus strand (A on the coding strand, the reverse complement: PCDH19 is on the minus strand). VCF-style (leftmost placement, unchanged base first): chrX-100407714-CT-C. GRCh37 (hg19) VCF-style: chrX-99662712-CT-C.
Other names: c.883del, p.Ser295fs (NM_001105243.2, NM_020766.3); short protein forms S295fs.
Identifiers: ClinVar variation 1394677 (VCV001394677.6), dbSNP rs2147540261, ClinGen allele CA2573159045.